The following is an entry in ClinVar:

NM_015072.5(TTLL5):c.2489A>G (p.Asn830Ser)

Gene: TTLL5 (tubulin tyrosine ligase like 5; plus strand). Cytogenetic location: 14q24.3.
Variant type: single nucleotide variant.
Coding change: c.2489A>G on transcript NM_015072.5 (MANE Select); coding-DNA position 2489, A replaced by G.
Protein change: p.Asn830Ser; replaces asparagine 830 with serine.
Molecular consequence: missense variant.
Genome position (GRCh38, 1-based): chr14:75,779,676, A>G. VCF-style: chr14-75779676-A-G. GRCh37 (hg19) VCF-style: chr14-76246019-A-G.
Other names: short protein forms N830S.
Identifiers: ClinVar variation 1919486 (VCV001919486.2), dbSNP rs552732553, ClinGen allele CA7279711.
Genomic context (GRCh38, chr14:75,779,676, plus strand): 5'-AGAACAAGTCTGCTAGTGTCTTCCTGGGGACTCACTCTAAAATTTCTAAGAACAACAACA[A>G]TTATTCTGATAGTGGGGCAAAAGGTGGTAAGTATACTGGTTAATGAACGAAAAATAAGAA-3'
Protein context (NP_055887.3, residues 820-840): THSKISKNNN[Asn830Ser]YSDSGAKGDH

ClinVar aggregate classification (germline): Uncertain significance (1 of 4 stars; one submission).

Allele frequency attached by ClinVar (database versions not stated): gnomAD 0.00001; ExAC 0.00002; gnomAD exomes 0.00002; TOPMed 0.00002.
gnomAD v4.1: 41 of 1,613,250 alleles (0.0025%); highest among the groups gnomAD compares: Middle Eastern, 0.017%; no homozygotes.

Submission:

Labcorp Genetics (formerly Invitae), Labcorp
Classification: Uncertain significance. Last evaluated: 2021-12-28. Review status: criteria provided, single submitter. Criteria: Invitae Variant Classification Sherloc (09022015). Collection method: clinical testing. Allele origin: germline.
Comment: This sequence change replaces asparagine, which is neutral and polar, with serine, which is neutral and polar, at codon 830 of the TTLL5 protein (p.Asn830Ser). This variant is present in population databases (rs552732553, gnomAD 0.004%). This variant has not been reported in the literature in individuals affected with TTLL5-related conditions. Algorithms developed to predict the effect of missense changes on protein structure and function output the following: SIFT: "Tolerated"; PolyPhen-2: "Benign"; Align-GVGD: "Class C0". The serine amino acid residue is found in multiple mammalian species, which suggests that this missense change does not adversely affect protein function. In summary, the available evidence is currently insufficient to determine the role of this variant in disease. Therefore, it has been classified as a Variant of Uncertain Significance.